The following is an entry in ClinVar:

NM_000230.3(LEP):c.73C>T (p.Gln25Ter)

Gene: LEP (leptin; plus strand). Cytogenetic location: 7q32.1.
Variant type: single nucleotide variant.
Coding change: c.73C>T on transcript NM_000230.3 (MANE Select); coding-DNA position 73, C replaced by T.
Protein change: p.Gln25Ter; replaces glutamine 25 with a stop codon.
Molecular consequence: nonsense.
Genome position (GRCh38, 1-based): chr7:128,252,091, C>T. VCF-style: chr7-128252091-C-T. GRCh37 (hg19) VCF-style: chr7-127892144-C-T.
Other names: short protein forms Q25*.
Identifiers: ClinVar variation 1074122 (VCV001074122.7), dbSNP rs2116222206, ClinGen allele CA369446638.

ClinVar aggregate classification (germline): Pathogenic (1 of 4 stars; one submission).

Submission:

Labcorp Genetics (formerly Invitae), Labcorp
Classification: Pathogenic. Last evaluated: 2017-11-08. Review status: criteria provided, single submitter. Criteria: Invitae Variant Classification Sherloc (09022015). Collection method: clinical testing. Allele origin: germline.
Comment: For these reasons, this variant has been classified as Pathogenic. Loss-of-function variants in LEP are known to be pathogenic (PMID: 7984236). This variant has not been reported in the literature in individuals with LEP-related disease. This variant is not present in population databases (ExAC no frequency). This sequence change creates a premature translational stop signal (p.Gln25*) in the LEP gene. It is expected to result in an absent or disrupted protein product.

Literature cited by the submitters: PubMed 7984236.